The following is an entry in ClinVar:

NM_002246.3(KCNK3):c.172G>A (p.Gly58Ser)

Gene: KCNK3 (potassium two pore domain channel subfamily K member 3; plus strand). Cytogenetic location: 2p23.3.
Variant type: single nucleotide variant.
Coding change: c.172G>A on transcript NM_002246.3 (MANE Select); coding-DNA position 172, G replaced by A.
Protein change: p.Gly58Ser; replaces glycine 58 with serine.
Molecular consequence: missense variant.
Genome position (GRCh38, 1-based): chr2:26,693,047, G>A. VCF-style: chr2-26693047-G-A. GRCh37 (hg19) VCF-style: chr2-26915915-G-A.
Other names: short protein forms G58S.
Identifiers: ClinVar variation 474318 (VCV000474318.9), dbSNP rs753384871, ClinGen allele CA1565438.

ClinVar aggregate classification (germline): Uncertain significance. Review status: criteria provided, multiple submitters, no conflicts (2 of 4 stars). 2 submissions from 2 submitters: Uncertain significance (2). Last evaluated 2023-07-16.

Conditions:
Pulmonary hypertension, primary, 4. Identifiers: Orphanet 422, MedGen C3809198, MONDO:0014136, OMIM 615344.

Allele frequency attached by ClinVar (database versions not stated): TOPMed 0.00003.
gnomAD v4.1: 44 of 1,600,668 alleles (0.0027%); highest among the groups gnomAD compares: Non-Finnish European, 0.0035%; no homozygotes.

Submissions (2):

Labcorp Genetics (formerly Invitae), Labcorp
Classification: Uncertain significance for Pulmonary hypertension, primary, 4. Last evaluated: 2023-07-16. Review status: criteria provided, single submitter. Criteria: Invitae Variant Classification Sherloc (09022015). Collection method: clinical testing. Allele origin: germline.
Comment: In summary, the available evidence is currently insufficient to determine the role of this variant in disease. Therefore, it has been classified as a Variant of Uncertain Significance. Advanced modeling of protein sequence and biophysical properties (such as structural, functional, and spatial information, amino acid conservation, physicochemical variation, residue mobility, and thermodynamic stability) performed at Invitae indicates that this missense variant is not expected to disrupt KCNK3 protein function. ClinVar contains an entry for this variant (Variation ID: 474318). This missense change has been observed in individual(s) with clinical features of KCNK3-related conditions (Invitae). This variant is present in population databases (rs753384871, gnomAD 0.003%). This sequence change replaces glycine, which is neutral and non-polar, with serine, which is neutral and polar, at codon 58 of the KCNK3 protein (p.Gly58Ser).

Johns Hopkins Genomics, Johns Hopkins University
Classification: Uncertain significance for Pulmonary hypertension, primary, 4. Last evaluated: 2022-10-10. Review status: criteria provided, single submitter. Criteria: ACMG Guidelines, 2015. Collection method: clinical testing. Allele origin: germline.
Comment: This KCNK3 missense variant (rs753384871) is rare (<0.1%) in a large population dataset (gnomAD v3.1.2: 4/152122 total alleles; 0.00263%; no homozygotes). It has been reported in ClinVar (Variation ID 474318), but has not been reported in the literature, to our knowledge. Of two bioinformatics tools queried, one predicts that the substitution would be damaging, while the other predicts that it would be tolerated. The glycine residue at this position is evolutionarily conserved across many species assessed, but several species have a different amino acid at this position, including 5 species with serine. We consider the clinical significance of c.172G>A in KCNK3 to be uncertain at this time.